The following is an entry in ClinVar:

ClinVar aggregate classification (germline): Conflicting classifications of pathogenicity. Review status: criteria provided, conflicting classifications (1 of 4 stars). 4 submissions from 4 submitters: Likely pathogenic (1); Uncertain significance (2). 1 of the submissions does not count toward it. Last evaluated 2025-08-11.

Conditions:
Neuronal ceroid lipofuscinosis 1 (CLN1). Also called: PPT1-Related Neuronal Ceroid-Lipofuscinosis; CEROID LIPOFUSCINOSIS, NEURONAL, 1, VARIABLE AGE AT ONSET. Identifiers: Orphanet 228329, MedGen C1850451, MONDO:0009744, OMIM 256730.

gnomAD v4.1: 2 of 1,613,522 alleles (0.00012%); highest among the groups gnomAD compares: African/African-American, 0.0013%; no homozygotes.

Submissions (4):

Labcorp Genetics (formerly Invitae), Labcorp
Classification: Likely pathogenic for Neuronal ceroid lipofuscinosis 1. Last evaluated: 2025-08-11. Review status: criteria provided, single submitter. Criteria: Invitae Variant Classification Sherloc (09022015). Collection method: clinical testing. Allele origin: germline.
Comment: This sequence change affects codon 145 of the PPT1 mRNA. It is a 'silent' change, meaning that it does not change the encoded amino acid sequence of the PPT1 protein. This variant also falls at the last nucleotide of exon 4, which is part of the consensus splice site for this exon. This variant is not present in population databases (gnomAD no frequency). This variant has been observed in individual(s) with neuronal ceroid lipofuscinosis (internal data). In at least one individual the data is consistent with being in trans (on the opposite chromosome) from a pathogenic variant. ClinVar contains an entry for this variant (Variation ID: 281572). An algorithm developed to predict the effect of missense changes on protein structure and function (PolyPhen-2) suggests that this variant is likely to be disruptive. Variants that disrupt the consensus splice site are a relatively common cause of aberrant splicing (PMID: 17576681, 9536098). Algorithms developed to predict the effect of sequence changes on RNA splicing suggest that this variant may disrupt the consensus splice site. In summary, the currently available evidence indicates that the variant is pathogenic, but additional data are needed to prove that conclusively. Therefore, this variant has been classified as Likely Pathogenic.

Women's Health and Genetics/Laboratory Corporation of America, LabCorp
Classification: Uncertain significance. Last evaluated: 2020-06-08. Review status: criteria provided, single submitter. Criteria: LabCorp Variant Classification Summary - May 2015. Collection method: clinical testing. Allele origin: germline.
Comment: Variant summary: PPT1 c.433G>A (p.Gly145Ser) alters a conserved nucleotide involving the last nucleotide of exon 4 located adjacent to the canonical splice donor site. At the protein level, it results in a non-conservative amino acid change located in the Palmitoyl protein thioesterase domain (IPR002472) of the encoded protein sequence. Five of five in-silico tools predict a damaging effect of the variant on protein function. Several computational tools predict a significant impact on normal splicing: Two predict the variant abolishes the canonical 5' splicing donor site. Two predict the variant weakens the canonical 5' donor site. However, these predictions have yet to be confirmed by functional studies. The variant was absent in 251296 control chromosomes. The available data on variant occurrences in the general population are insufficient to allow any conclusion about variant significance. To our knowledge, no occurrence of c.433G>A in individuals affected with Neuronal Ceroid-Lipofuscinosis (Batten Disease) and no experimental evidence demonstrating its impact on protein function have been reported. One clinical diagnostic laboratory has submitted clinical-significance assessments for this variant to ClinVar after 2014 without evidence for independent evaluation and classified the variant as uncertain significance. Based on the evidence outlined above, the variant was classified as uncertain significance.

Eurofins Ntd Llc (ga)
Classification: Uncertain significance. Last evaluated: 2015-06-29. Review status: criteria provided, single submitter. Criteria: EGL Classification Definitions 2015. Collection method: clinical testing. Allele origin: germline. Observed: 1 variant allele, 1 homozygote.

Natera, Inc.
Classification: Uncertain significance for Neuronal ceroid lipofuscinosis 1. Last evaluated: 2020-10-08. Review status: no assertion criteria provided. Collection method: clinical testing. Allele origin: germline. Not counted in ClinVar's aggregate classification.

Literature cited by the submitters: PubMed 17576681 (cited by Labcorp Genetics (formerly Invitae), Labcorp); PubMed 9536098 (cited by Labcorp Genetics (formerly Invitae), Labcorp).

NM_000310.4(PPT1):c.433G>A (p.Gly145Ser)

Gene: PPT1 (palmitoyl-protein thioesterase 1; minus strand). Cytogenetic location: 1p34.2.
Variant type: single nucleotide variant.
Coding change: c.433G>A on transcript NM_000310.4 (MANE Select); coding-DNA position 433, G replaced by A.
Protein change: p.Gly145Ser; replaces glycine 145 with serine.
Molecular consequence: missense variant. On other transcripts: intron variant (1).
Genome position (GRCh38, 1-based): chr1:40,091,329, C>T on the plus strand (G>A on the coding strand, the complement: PPT1 is on the minus strand). VCF-style: chr1-40091329-C-T. GRCh37 (hg19) VCF-style: chr1-40557001-C-T.
Other names: c.433G>A, p.Gly145Ser (NM_001363695.2); c.125-1817G>A (NM_001142604.2); short protein forms G145S.
Identifiers: ClinVar variation 281572 (VCV000281572.8), dbSNP rs369186379, ClinGen allele CA10603917.